The following is an entry in ClinVar:

ClinVar aggregate classification (germline): Uncertain significance (1 of 4 stars; one submission).

Conditions:
Severe combined immunodeficiency due to DNA-PKcs deficiency. Also called: IMMUNODEFICIENCY 26 WITH NEUROLOGIC ABNORMALITIES; Immunodeficiency 26 with or without neurologic abnormalities. Identifiers: Orphanet 317425, MedGen C4014833, MONDO:0014423, OMIM 615966.

Allele frequency attached by ClinVar (database versions not stated): gnomAD exomes below 0.00001; gnomAD 0.00001; TOPMed 0.00001.
gnomAD v4.1: 2 of 1,598,206 alleles (0.00013%); highest among the groups gnomAD compares: Non-Finnish European, 0.00017%; no homozygotes.

Submission:

Labcorp Genetics (formerly Invitae), Labcorp
Classification: Uncertain significance for Severe combined immunodeficiency due to DNA-PKcs deficiency. Last evaluated: 2022-06-22. Review status: criteria provided, single submitter. Criteria: Invitae Variant Classification Sherloc (09022015). Collection method: clinical testing. Allele origin: germline.
Comment: This sequence change replaces glutamine, which is neutral and polar, with arginine, which is basic and polar, at codon 1509 of the PRKDC protein (p.Gln1509Arg). This variant is not present in population databases (gnomAD no frequency). This variant has not been reported in the literature in individuals affected with PRKDC-related conditions. Experimental studies and prediction algorithms are not available or were not evaluated, and the functional significance of this variant is currently unknown. In summary, the available evidence is currently insufficient to determine the role of this variant in disease. Therefore, it has been classified as a Variant of Uncertain Significance.

NM_006904.7(PRKDC):c.4526A>G (p.Gln1509Arg)

Gene: PRKDC (protein kinase, DNA-activated, catalytic subunit; minus strand). Cytogenetic location: 8q11.21.
Variant type: single nucleotide variant.
Coding change: c.4526A>G on transcript NM_006904.7 (MANE Select); coding-DNA position 4526, A replaced by G.
Protein change: p.Gln1509Arg; replaces glutamine 1509 with arginine.
Molecular consequence: missense variant.
Genome position (GRCh38, 1-based): chr8:47,887,593, T>C on the plus strand (A>G on the coding strand, the complement: PRKDC is on the minus strand). VCF-style: chr8-47887593-T-C. GRCh37 (hg19) VCF-style: chr8-48800154-T-C.
Other names: c.4526A>G, p.Gln1509Arg (NM_001081640.2); short protein forms Q1509R.
Identifiers: ClinVar variation 2002470 (VCV002002470.1), dbSNP rs2089365201, ClinGen allele CA371143823.